The following is an entry in ClinVar:

NM_174936.4(PCSK9):c.106G>A (p.Gly36Ser)

Gene: PCSK9 (proprotein convertase subtilisin/kexin type 9; plus strand). Cytogenetic location: 1p32.3.
Variant type: single nucleotide variant.
Coding change: c.106G>A on transcript NM_174936.4 (MANE Select); coding-DNA position 106, G replaced by A.
Protein change: p.Gly36Ser; replaces glycine 36 with serine.
Molecular consequence: missense variant.
Genome position (GRCh38, 1-based): chr1:55,039,943, G>A. VCF-style: chr1-55039943-G-A. GRCh37 (hg19) VCF-style: chr1-55505616-G-A.
Other names: short protein forms G36S.
Identifiers: ClinVar variation 921570 (VCV000921570.14), dbSNP rs757753730, ClinGen allele CA034887.

ClinVar aggregate classification (germline): Conflicting classifications of pathogenicity. Review status: criteria provided, conflicting classifications (1 of 4 stars). 5 submissions from 5 submitters: Uncertain significance (4); Likely benign (1). Last evaluated 2026-05-05.

Conditions:
Cardiovascular phenotype. Identifiers: MedGen CN230736.
Familial hypercholesterolemia. Also called: Familial hypercholesterolemias; Familial hypercholesterolaemia. Identifiers: MedGen C0020445, MONDO:0005439.
Hypercholesterolemia, autosomal dominant, 3 (FHCL3). Also called: Familial Hypercholesterolemia, Autosomal Dominant, 3; PCSK9-Related Familial Hypercholesterolemia, Autosomal Dominant; Familial hypercholesterolemia 3. Identifiers: MedGen C1863551, MONDO:0011369, OMIM 603776.

Allele frequency attached by ClinVar (database versions not stated): gnomAD exomes 0.00003; TOPMed 0.00003; ExAC 0.00004.
gnomAD v4.1: 10 of 1,573,982 alleles (0.00064%); highest among the groups gnomAD compares: South Asian, 0.0058%; no homozygotes.

Submissions (5):

Ambry Genetics
Classification: Likely benign for Cardiovascular phenotype. Last evaluated: 2026-05-05. Review status: criteria provided, single submitter. Criteria: Ambry Variant Classification Scheme 2023. Collection method: clinical testing. Allele origin: germline.

Cambridge Genomics Laboratory, East Genomic Laboratory Hub, NHS Genomic Medicine Service
Classification: Uncertain significance for Familial hypercholesterolaemia. Last evaluated: 2025-08-14. Review status: criteria provided, single submitter. Criteria: ACGS Best Practice Guidelines for Variant Classification in Rare Disease 2020. Collection method: clinical testing. Allele origin: germline. Affected: yes.

Color Diagnostics, LLC DBA Color Health
Classification: Uncertain significance for Familial hypercholesterolemia. Last evaluated: 2024-03-06. Review status: criteria provided, single submitter. Criteria: ACMG Guidelines, 2015. Collection method: clinical testing. Allele origin: germline.
Comment: This missense variant replaces glycine with serine at codon 36 of the PCSK9 protein. Computational prediction suggests that this variant may not impact protein structure and function (internally defined REVEL score threshold <= 0.5, PMID: 27666373). To our knowledge, functional studies have not been reported for this variant. This variant has not been reported in individuals affected with familial hypercholesterolemia in the literature. This variant has been identified in 5/185792 chromosomes in the general population by the Genome Aggregation Database (gnomAD). The available evidence is insufficient to determine the role of this variant in disease conclusively. Therefore, this variant is classified as a Variant of Uncertain Significance.

All of Us Research Program, National Institutes of Health
Classification: Uncertain significance for Hypercholesterolemia, autosomal dominant, 3. Last evaluated: 2023-05-31. Review status: criteria provided, single submitter. Criteria: ACMG Guidelines, 2015. Collection method: clinical testing. Allele origin: germline. Inheritance: Autosomal dominant inheritance. Observed: 1 variant allele, 1 heterozygote.
Comment: This missense variant replaces glycine with serine at codon 36 of the PCSK9 protein. Computational prediction suggests that this variant may not impact protein structure and function (internally defined REVEL score threshold <= 0.5, PMID: 27666373). To our knowledge, functional studies have not been reported for this variant. This variant has not been reported in individuals affected with familial hypercholesterolemia in the literature. This variant has been identified in 5/185792 chromosomes in the general population by the Genome Aggregation Database (gnomAD). The available evidence is insufficient to determine the role of this variant in disease conclusively. Therefore, this variant is classified as a Variant of Uncertain Significance.

This study involves interpretation of variants in research participants for the purpose of population health screening. Participant phenotype was not available at the time of variant classification. Additional details can be found in publication PMID: 35346344, PMCID: PMC8962531

Labcorp Genetics (formerly Invitae), Labcorp
Classification: Uncertain significance for Hypercholesterolemia, autosomal dominant, 3. Last evaluated: 2022-04-12. Review status: criteria provided, single submitter. Criteria: Invitae Variant Classification Sherloc (09022015). Collection method: clinical testing. Allele origin: germline.
Comment: This sequence change replaces glycine, which is neutral and non-polar, with serine, which is neutral and polar, at codon 36 of the PCSK9 protein (p.Gly36Ser). The frequency data for this variant in the population databases is considered unreliable, as metrics indicate poor data quality at this position in the gnomAD database. This variant has not been reported in the literature in individuals affected with PCSK9-related conditions. ClinVar contains an entry for this variant (Variation ID: 921570). Advanced modeling of protein sequence and biophysical properties (such as structural, functional, and spatial information, amino acid conservation, physicochemical variation, residue mobility, and thermodynamic stability) performed at Invitae indicates that this missense variant is not expected to disrupt PCSK9 protein function. In summary, the available evidence is currently insufficient to determine the role of this variant in disease. Therefore, it has been classified as a Variant of Uncertain Significance.